The following is an entry in ClinVar:

NM_001244008.2(KIF1A):c.3852T>C (p.His1284=)

Genes: KIF1A (kinesin family member 1A; minus strand), LOC126806583 (P300/CBP strongly-dependent group 1 enhancer GRCh37_chr2:241678910-241680109; plus strand). Cytogenetic location: 2q37.3.
Variant type: single nucleotide variant.
Coding change: c.3852T>C on transcript NM_001244008.2 (MANE Select); coding-DNA position 3852, T replaced by C.
Protein change: p.His1284=; no amino-acid change (histidine 1284 retained).
Molecular consequence: synonymous variant.
Genome position (GRCh38, 1-based): chr2:240,740,107, A>G on the plus strand (T>C on the coding strand, the complement: KIF1A is on the minus strand). VCF-style: chr2-240740107-A-G. GRCh37 (hg19) VCF-style: chr2-241679524-A-G.
Other names: p.His1183=; c.3576T>C, p.His1192= (NM_001320705.2, NM_001330289.2, NM_001379638.1); c.3651T>C, p.His1217= (NM_001330290.2, NM_001379634.1, NM_001379635.1 and 1 more transcripts); c.3927T>C, p.His1309= (NM_001379631.1); c.3801T>C, p.His1267= (NM_001379632.1); c.3825T>C, p.His1275= (NM_001379633.1, NM_001379642.1, NM_001379645.1); c.3549T>C, p.His1183= (NM_001379636.1, NM_001379639.1, NM_001379641.1 and 5 more transcripts); c.3624T>C, p.His1208= (NM_001379637.1, NM_001379648.1); and 2 more.
Identifiers: ClinVar variation 335267 (VCV000335267.31), dbSNP rs184931664, ClinGen allele CA2207614.

ClinVar aggregate classification (germline): Benign/Likely benign. Review status: criteria provided, multiple submitters, no conflicts (2 of 4 stars). 12 submissions from 12 submitters: Benign (5); Likely benign (5). 2 of the submissions do not count toward it. Last evaluated 2026-02-03.

Conditions:
Hereditary spastic paraplegia 30. Identifiers: Orphanet 101010, MedGen C5235139, MONDO:0012476.
Neuropathy, hereditary sensory, type 2C. Also called: KIF1A-Related HSAN2 (HSAN2C); Hereditary sensory and autonomic neuropathy type IIC. Identifiers: Orphanet 970, MedGen C3280168, MONDO:0013634, OMIM 614213.
Intellectual disability, autosomal dominant 9 (NESCAVS). Also called: KIF1A-Related Neurodevelopmental Disorder; NESCAV SYNDROME. Identifiers: Orphanet 662367, MedGen C5393830, MONDO:0013656, OMIM 614255.
Hereditary spastic paraplegia. Also called: Familial spastic paraparesis. Identifiers: Orphanet 685, MedGen C0037773, MONDO:0019064. Disease mechanism: loss of function.
Inborn genetic diseases. Identifiers: MedGen C0950123, MeSH D030342.

Allele frequency attached by ClinVar (database versions not stated): gnomAD exomes 0.00085 and 0.00146; ExAC 0.00290; 1000 Genomes Project 0.00439; 1000 Genomes Project 30x 0.00453; gnomAD 0.00661 and 0.00715; ESP Exome Variant Server 0.00732; TOPMed 0.00759.
gnomAD v4.1: 2,294 of 1,590,346 alleles (0.14%); highest among the groups gnomAD compares: African/African-American, 2.1%; 13 homozygotes.

Submissions (12):

Labcorp Genetics (formerly Invitae), Labcorp
Classification: Benign for Hereditary spastic paraplegia 30; Neuropathy, hereditary sensory, type 2C; Intellectual disability, autosomal dominant 9. Last evaluated: 2026-02-03. Review status: criteria provided, single submitter. Criteria: Invitae Variant Classification Sherloc (09022015). Collection method: clinical testing. Allele origin: germline.

Blueprint Genetics
Classification: Likely benign. Last evaluated: 2024-11-19. Review status: criteria provided, single submitter. Criteria: ACMG Guidelines, 2015. Collection method: clinical testing. Allele origin: germline.

Athena Diagnostics
Classification: Benign. Last evaluated: 2024-09-16. Review status: criteria provided, single submitter. Criteria: Athena Diagnostics Criteria. Collection method: clinical testing. Allele origin: unknown.

ARUP Laboratories, Molecular Genetics and Genomics, ARUP Laboratories
Classification: Benign. Last evaluated: 2023-09-12. Review status: criteria provided, single submitter. Criteria: ARUP Molecular Germline Variant Investigation Process 2024. Collection method: clinical testing. Allele origin: germline.

Genome Diagnostics Laboratory, The Hospital for Sick Children
Classification: Likely benign for Hereditary spastic paraplegia. Last evaluated: 2021-11-02. Review status: criteria provided, single submitter. Criteria: ACMG Guidelines, 2015. Collection method: clinical testing. Allele origin: germline. Affected: yes.

Mayo Clinic Laboratories, Mayo Clinic
Classification: Benign. Last evaluated: 2021-08-17. Review status: criteria provided, single submitter. Criteria: ACMG Guidelines, 2015. Collection method: clinical testing. Allele origin: germline. Observed: 7 variant alleles.
Comment: BS1, BS2, BP4, BP7

GeneDx
Classification: Benign. Last evaluated: 2019-04-01. Review status: criteria provided, single submitter. Criteria: GeneDx Variant Classification Process June 2021. Collection method: clinical testing. Allele origin: germline. Affected: yes.

Illumina Laboratory Services, Illumina
Classification: Likely benign for Spastic paraplegia 30A, autosomal dominant. Last evaluated: 2018-01-13. Review status: criteria provided, single submitter. Criteria: ICSL Variant Classification Criteria 13 December 2019. Collection method: clinical testing. Allele origin: germline.
Comment: This variant was observed in the ICSL laboratory as part of a predisposition screen in an ostensibly healthy population. It had not been previously curated by ICSL or reported in the Human Gene Mutation Database (HGMD: prior to June 1st, 2018), and was therefore a candidate for classification through an automated scoring system. Utilizing variant allele frequency, disease prevalence and penetrance estimates, and inheritance mode, an automated score was calculated to assess if this variant is too frequent to cause the disease. Based on the score and internal cut-off values, a variant classified as likely benign is not then subjected to further curation. The score for this variant resulted in a classification of likely benign for this disease.

Ambry Genetics
Classification: Likely benign for Inborn genetic diseases. Last evaluated: 2016-03-13. Review status: criteria provided, single submitter. Criteria: Ambry Variant Classification Scheme 2023. Collection method: clinical testing. Allele origin: germline.

Breakthrough Genomics
Classification: Likely benign. Review status: criteria provided, single submitter. Criteria: ACMG Guidelines, 2015. Collection method: not provided. Allele origin: germline. Inheritance: Autosomal recessive inheritance. Affected: yes.

Clinical Genetics DNA and cytogenetics Diagnostics Lab, Erasmus MC, Erasmus Medical Center
Classification: Benign. Review status: no assertion criteria provided. Collection method: clinical testing. Allele origin: germline. Affected: yes. Study: VKGL Data-share Consensus. Not counted in ClinVar's aggregate classification.

Clinical Genetics, Academic Medical Center
Classification: Likely benign. Review status: no assertion criteria provided. Collection method: clinical testing. Allele origin: germline. Affected: yes. Study: VKGL Data-share Consensus. Not counted in ClinVar's aggregate classification.